The following is an entry in ClinVar:

ClinVar aggregate classification (germline): Likely benign. Review status: criteria provided, multiple submitters, no conflicts (2 of 4 stars). 4 submissions from 4 submitters: Likely benign (4). Last evaluated 2026-09-01.

Allele frequency attached by ClinVar (database versions not stated): 1000 Genomes Project 30x 0.00125; 1000 Genomes Project 0.00140; gnomAD exomes 0.00168 and 0.00269; ExAC 0.00178; TOPMed 0.00192; gnomAD 0.00195; ESP Exome Variant Server 0.00231.
gnomAD v4.1: 4,221 of 1,614,074 alleles (0.26%); highest among the groups gnomAD compares: Non-Finnish European, 0.31%; 3 homozygotes.

Submissions (4):

CeGaT Center for Human Genetics Tuebingen
Classification: Likely benign. Last evaluated: 2026-09-01. Review status: criteria provided, single submitter. Criteria: CeGaT Center For Human Genetics Tuebingen Variant Classification Criteria Version 2. Collection method: clinical testing. Allele origin: germline. Affected: yes. Observed: 6 variant alleles.
Comment: JARID2: BP4, BS1

Blueprint Genetics
Classification: Likely benign. Last evaluated: 2024-11-22. Review status: criteria provided, single submitter. Criteria: ACMG Guidelines, 2015. Collection method: clinical testing. Allele origin: germline.

Labcorp Genetics (formerly Invitae), Labcorp
Classification: Likely benign. Last evaluated: 2019-12-31. Review status: criteria provided, single submitter. Criteria: Invitae Variant Classification Sherloc (09022015). Collection method: clinical testing. Allele origin: germline.

Breakthrough Genomics
Classification: Likely benign. Review status: criteria provided, single submitter. Criteria: ACMG Guidelines, 2015. Collection method: not provided. Allele origin: germline. Inheritance: Autosomal dominant inheritance. Affected: yes.

NM_004973.4(JARID2):c.2230G>A (p.Asp744Asn)

Gene: JARID2 (jumonji and AT-rich interaction domain containing 2; plus strand). Cytogenetic location: 6p22.3.
Variant type: single nucleotide variant.
Coding change: c.2230G>A on transcript NM_004973.4 (MANE Select); coding-DNA position 2230, G replaced by A.
Protein change: p.Asp744Asn; replaces aspartic acid 744 with asparagine.
Molecular consequence: missense variant.
Genome position (GRCh38, 1-based): chr6:15,501,191, G>A. VCF-style: chr6-15501191-G-A. GRCh37 (hg19) VCF-style: chr6-15501422-G-A.
Other names: c.1714G>A, p.Asp572Asn (NM_001267040.1); short protein forms D744N, D572N.
Identifiers: ClinVar variation 710686 (VCV000710686.30), dbSNP rs142763537, ClinGen allele CA3643073.